The following is an entry in ClinVar:

NM_015533.4(TKFC):c.343C>T (p.Arg115Trp)

Gene: TKFC (triokinase and FMN cyclase; plus strand). Cytogenetic location: 11q12.2.
Variant type: single nucleotide variant.
Coding change: c.343C>T on transcript NM_015533.4 (MANE Select); coding-DNA position 343, C replaced by T.
Protein change: p.Arg115Trp; replaces arginine 115 with tryptophan.
Molecular consequence: missense variant.
Genome position (GRCh38, 1-based): chr11:61,339,292, C>T. VCF-style: chr11-61339292-C-T. GRCh37 (hg19) VCF-style: chr11-61106764-C-T.
Other names: c.343C>T, p.Arg115Trp (NM_001351976.2, NM_001351977.2, NM_001351978.2 and 1 more transcripts); c.133C>T, p.Arg45Trp (NM_001351980.2); short protein forms R115W, R45W.
Identifiers: ClinVar variation 4852696 (VCV004852696.2).

ClinVar aggregate classification (germline): Uncertain significance (1 of 4 stars; one submission).

gnomAD v4.1: 14 of 1,613,648 alleles (0.00087%); highest among the groups gnomAD compares: African/African-American, 0.013%; no homozygotes.

Submission:

Dasa
Classification: Uncertain significance. Last evaluated: 2025-03-11. Review status: criteria provided, single submitter. Criteria: DASA Assertion Criteria. Collection method: clinical testing. Allele origin: germline.
Comment: NM_015533.4(TKFC):c.343C>T (p.Arg115Trp) is a missense variant that results in the substitution of arginine with tryptophan. This variant is rare in population databases. The currently available literature and clinical evidence are not sufficient to establish a definitive association between this variant and the reported condition. Therefore, this variant is classified as a variant of uncertain significance.